The following is an entry in ClinVar:

NM_000061.3(BTK):c.271C>T (p.Gln91Ter)

Gene: BTK (Bruton tyrosine kinase; minus strand). Cytogenetic location: Xq22.1.
Variant type: single nucleotide variant.
Coding change: c.271C>T on transcript NM_000061.3 (MANE Select); coding-DNA position 271, C replaced by T.
Protein change: p.Gln91Ter; replaces glutamine 91 with a stop codon.
Molecular consequence: nonsense.
Genome position (GRCh38, 1-based): chrX:101,371,671, G>A on the plus strand (C>T on the coding strand, the complement: BTK is on the minus strand). VCF-style: chrX-101371671-G-A. GRCh37 (hg19) VCF-style: chrX-100626659-G-A.
Other names: c.373C>T, p.Gln125Ter (NM_001287344.2); c.271C>T, p.Gln91Ter (NM_001287345.2); short protein forms Q125*, Q91*.
Identifiers: ClinVar variation 2431420 (VCV002431420.1), dbSNP rs2520668410, ClinGen allele CA413938121.

ClinVar aggregate classification (germline): Pathogenic (1 of 4 stars; one submission).

Conditions:
X-linked agammaglobulinemia (XLA). Also called: Agammaglobulinemia, Bruton tyrosine kinase; Agammaglobulinemia, BTK; BTK-deficiency; Bruton's agammaglobulinemia; IMMUNODEFICIENCY 1; AGAMMAGLOBULINEMIA, X-LINKED, TYPE 1. Identifiers: Orphanet 229717, Orphanet 47, MedGen C0221026, MONDO:0010421, OMIM 300755.

Submission:

Laboratorio de Genetica e Diagnostico Molecular, Hospital Israelita Albert Einstein
Classification: Pathogenic for X-linked agammaglobulinemia. Last evaluated: 2022-10-07. Review status: criteria provided, single submitter. Criteria: ACMG Guidelines, 2015. Collection method: clinical testing. Allele origin: germline. Affected: yes. Observed: 1 variant allele.
Comment: ACMG classification criteria: PVS1 very strong, PS4 moderated, PM2 moderated